The following is an entry in ClinVar:

ClinVar aggregate classification (germline): Uncertain significance. Review status: criteria provided, multiple submitters, no conflicts (2 of 4 stars). 2 submissions from 2 submitters: Uncertain significance (2). Last evaluated 2025-06-04.

Conditions:
Autosomal dominant Parkinson disease 8. Also called: Parkinson disease 8, susceptibility to; LRRK2-Related Parkinson Disease; Parkinson disease 8. Identifiers: Orphanet 411602, MedGen C1846862, MONDO:0011764, OMIM 607060.

Submissions (2):

Women's Health and Genetics/Laboratory Corporation of America, LabCorp
Classification: Uncertain significance. Last evaluated: 2025-06-04. Review status: criteria provided, single submitter. Criteria: LabCorp Variant Classification Summary - May 2015. Collection method: clinical testing. Allele origin: germline.
Comment: Variant summary: LRRK2 c.5457_5458delinsCA (p.Glu1820Lys) results in a conservative amino acid change in the encoded protein sequence. Algorithms developed to predict the effect of missense changes on protein structure and function are either unavailable or do not agree on the potential impact of this missense change. The frequency of this variant in the general population could not be determined as the technology used for large population databases (ExAC, gnomAD, ESP, 1000G) cannot detect variants of this type. The available data on variant occurrences in the general population are insufficient to allow any conclusion about variant significance. To our knowledge, no occurrence of c.5457_5458delinsCA in individuals affected with Autosomal dominant Parkinson disease 8 and no experimental evidence demonstrating its impact on protein function have been reported. ClinVar contains an entry for this variant (Variation ID: 2833987). Based on the evidence outlined above, the variant was classified as uncertain significance.

Labcorp Genetics (formerly Invitae), Labcorp
Classification: Uncertain significance for Autosomal dominant Parkinson disease 8. Last evaluated: 2023-07-24. Review status: criteria provided, single submitter. Criteria: Invitae Variant Classification Sherloc (09022015). Collection method: clinical testing. Allele origin: germline.
Comment: This sequence change replaces glutamic acid, which is acidic and polar, with lysine, which is basic and polar, at codon 1820 of the LRRK2 protein (p.Glu1820Lys). Information on the frequency of this variant in the gnomAD database is not available, as this variant may be reported differently in the database. This variant has not been reported in the literature in individuals affected with LRRK2-related conditions. Experimental studies and prediction algorithms are not available or were not evaluated, and the functional significance of this variant is currently unknown. In summary, the available evidence is currently insufficient to determine the role of this variant in disease. Therefore, it has been classified as a Variant of Uncertain Significance.

NM_198578.4(LRRK2):c.5457_5458inv (p.Glu1820Lys)

Gene: LRRK2 (leucine rich repeat kinase 2; plus strand). Cytogenetic location: 12q12.
Variant type: Inversion.
Coding change: c.5457_5458inv on transcript NM_198578.4 (MANE Select).
Protein change: p.Glu1820Lys; replaces glutamic acid 1820 with lysine.
Molecular consequence: missense variant.
Genome position: GRCh38 VCF-style: chr12-40322458-TG-CA. GRCh37 (hg19) VCF-style: chr12-40716260-TG-CA.
Other names: c.5457_5458delinsCA (NM_198578.4); short protein forms E1820K.
Identifiers: ClinVar variation 2833987 (VCV002833987.4), ClinGen allele CA2739271934.
Genomic context (GRCh38, chr12:40,322,458, plus strand): 5'-TATTTGTGGTGAAGGAGAAACTCTGTTGAAGAAATGGGCATTATATAGTTTTAATGATGG[TG>CA]AAGAACATCAAAAAATCTTACTTGATGACTTGATGAAGAAAGCAGAGGAAGGTATGTTTT-3'
Protein context (NP_940980.4, residues 1810-1830): KWALYSFNDG[Glu1820Lys]EHQKILLDDL